The following is an entry in ClinVar:

ClinVar aggregate classification (germline): Uncertain significance. Review status: criteria provided, multiple submitters, no conflicts (2 of 4 stars). 3 submissions from 3 submitters: Uncertain significance (3). Last evaluated 2025-01-29.

Conditions:
Inborn genetic diseases. Identifiers: MedGen C0950123, MeSH D030342.

gnomAD v4.1: 20 of 1,610,470 alleles (0.0012%); highest among the groups gnomAD compares: South Asian, 0.011%; no homozygotes.

Submissions (3):

Women's Health and Genetics/Laboratory Corporation of America, LabCorp
Classification: Uncertain significance. Last evaluated: 2025-01-29. Review status: criteria provided, single submitter. Criteria: LabCorp Variant Classification Summary - May 2015. Collection method: clinical testing. Allele origin: germline.
Comment: Variant summary: LRP5 c.4622C>T (p.Thr1541Met) results in a non-conservative amino acid change in the encoded protein sequence. Five of five in-silico tools predict a damaging effect of the variant on protein function. The variant allele was found at a frequency of 1.2e-05 in 247340 control chromosomes. The available data on variant occurrences in the general population are insufficient to allow any conclusion about variant significance. To our knowledge, no occurrence of c.4622C>T in individuals affected with Familial Exudative Vitreoretinopathy and no experimental evidence demonstrating its impact on protein function have been reported. ClinVar contains an entry for this variant (Variation ID: 2414305). Based on the evidence outlined above, the variant was classified as uncertain significance.

Ambry Genetics
Classification: Uncertain significance for Inborn genetic diseases. Last evaluated: 2024-12-05. Review status: criteria provided, single submitter. Criteria: Ambry Variant Classification Scheme 2023. Collection method: clinical testing. Allele origin: germline.

Labcorp Genetics (formerly Invitae), Labcorp
Classification: Uncertain significance. Last evaluated: 2024-02-11. Review status: criteria provided, single submitter. Criteria: Invitae Variant Classification Sherloc (09022015). Collection method: clinical testing. Allele origin: germline.
Comment: This sequence change replaces threonine, which is neutral and polar, with methionine, which is neutral and non-polar, at codon 1541 of the LRP5 protein (p.Thr1541Met). This variant is present in population databases (rs150862227, gnomAD 0.005%). This variant has not been reported in the literature in individuals affected with LRP5-related conditions. ClinVar contains an entry for this variant (Variation ID: 2414305). Advanced modeling of protein sequence and biophysical properties (such as structural, functional, and spatial information, amino acid conservation, physicochemical variation, residue mobility, and thermodynamic stability) performed at Invitae indicates that this missense variant is not expected to disrupt LRP5 protein function with a negative predictive value of 95%. In summary, the available evidence is currently insufficient to determine the role of this variant in disease. Therefore, it has been classified as a Variant of Uncertain Significance.

NM_002335.4(LRP5):c.4622C>T (p.Thr1541Met)

Gene: LRP5 (LDL receptor related protein 5; plus strand). Cytogenetic location: 11q13.2.
Variant type: single nucleotide variant.
Coding change: c.4622C>T on transcript NM_002335.4 (MANE Select); coding-DNA position 4622, C replaced by T.
Protein change: p.Thr1541Met; replaces threonine 1541 with methionine.
Molecular consequence: missense variant.
Genome position (GRCh38, 1-based): chr11:68,448,844, C>T. VCF-style: chr11-68448844-C-T. GRCh37 (hg19) VCF-style: chr11-68216312-C-T.
Other names: c.2879C>T, p.Thr960Met (NM_001291902.2); c.4622C>T (NM_002335.2); short protein forms T1541M, T960M.
Identifiers: ClinVar variation 2414305 (VCV002414305.8), dbSNP rs150862227, ClinGen allele CA6150470.